The following is an entry in ClinVar:

NC_000002.12:g.121530900T>C

Genes: CLASP1 (cytoplasmic linker associated protein 1; minus strand), CLASP1-AS1 (CLASP1 antisense RNA 1; plus strand), RNU4ATAC (RNA, U4atac small nuclear; plus strand). Cytogenetic location: 2q14.2.
Variant type: single nucleotide variant.
Molecular consequence: intron variant (on NM_001395891.1).
Genome position: GRCh38 VCF-style: chr2-121530900-T-C. GRCh37 (hg19) VCF-style: chr2-122288476-T-C.
Other names: c.196-575A>G (NM_001142274.2, NM_015282.3, NM_001378003.1 and 5 more transcripts).
Identifiers: ClinVar variation 1363263 (VCV001363263.3), dbSNP rs966589874, ClinGen allele CA54810781.

ClinVar aggregate classification (germline): Uncertain significance (1 of 4 stars; one submission).

gnomAD v4.1: 9 of 695,550 alleles (0.0013%); highest among the groups gnomAD compares: Admixed American, 0.006%; no homozygotes.

Submission:

Labcorp Genetics (formerly Invitae), Labcorp
Classification: Uncertain significance. Last evaluated: 2022-01-27. Review status: criteria provided, single submitter. Criteria: Invitae Variant Classification Sherloc (09022015). Collection method: clinical testing. Allele origin: germline.
Comment: This variant occurs in the RNU4ATAC gene, which encodes an RNA molecule that does not result in a protein product. This variant is present in population databases (no rsID available, gnomAD 0.004%). This variant has not been reported in the literature in individuals affected with RNU4ATAC-related conditions. Experimental studies and prediction algorithms are not available or were not evaluated, and the functional significance of this variant is currently unknown. In summary, the available evidence is currently insufficient to determine the role of this variant in disease. Therefore, it has been classified as a Variant of Uncertain Significance.